The following is an entry in ClinVar:

ClinVar aggregate classification (germline): Uncertain significance. Review status: criteria provided, multiple submitters, no conflicts (2 of 4 stars). 2 submissions from 2 submitters: Uncertain significance (2). Last evaluated 2022-03-03.

Conditions:
Hereditary cancer-predisposing syndrome. Also called: Neoplastic Syndromes, Hereditary; Hereditary Cancer Syndrome; Tumor predisposition; Hereditary neoplastic syndrome. Identifiers: Orphanet 140162, MedGen C0027672, MeSH D009386, MONDO:0015356.
Peutz-Jeghers syndrome (PJS). Also called: Peutz-Jeghers polyposis; Periorificial lentiginosis syndrome; POLYPOSIS, HAMARTOMATOUS INTESTINAL; POLYPS-AND-SPOTS SYNDROME. Identifiers: Orphanet 2869, MedGen C0031269, MeSH D010580, MONDO:0008280, OMIM 175200.

Submissions (2):

Labcorp Genetics (formerly Invitae), Labcorp
Classification: Uncertain significance for Peutz-Jeghers syndrome. Last evaluated: 2022-03-03. Review status: criteria provided, single submitter. Criteria: Invitae Variant Classification Sherloc (09022015). Collection method: clinical testing. Allele origin: germline.
Comment: This variant has not been reported in the literature in individuals affected with STK11-related conditions. This variant is not present in population databases (gnomAD no frequency). This sequence change replaces threonine, which is neutral and polar, with methionine, which is neutral and non-polar, at codon 71 of the STK11 protein (p.Thr71Met). Advanced modeling of protein sequence and biophysical properties (such as structural, functional, and spatial information, amino acid conservation, physicochemical variation, residue mobility, and thermodynamic stability) performed at Invitae indicates that this missense variant is expected to disrupt STK11 protein function. In summary, the available evidence is currently insufficient to determine the role of this variant in disease. Therefore, it has been classified as a Variant of Uncertain Significance.

Ambry Genetics
Classification: Uncertain significance for Hereditary cancer-predisposing syndrome. Last evaluated: 2020-01-24. Review status: criteria provided, single submitter. Criteria: Ambry Variant Classification Scheme 2023. Collection method: clinical testing. Allele origin: germline.
Comment: The p.T71M variant (also known as c.212C>T), located in coding exon 1 of the STK11 gene, results from a C to T substitution at nucleotide position 212. The threonine at codon 71 is replaced by methionine, an amino acid with similar properties. This amino acid position is highly conserved in available vertebrate species. In addition, the in silico prediction for this alteration is inconclusive. Since supporting evidence is limited at this time, the clinical significance of this alteration remains unclear.

NM_000455.5(STK11):c.212C>T (p.Thr71Met)

Gene: STK11 (serine/threonine kinase 11; plus strand). Cytogenetic location: 19p13.3.
Variant type: single nucleotide variant.
Coding change: c.212C>T on transcript NM_000455.5 (MANE Select); coding-DNA position 212, C replaced by T.
Protein change: p.Thr71Met; replaces threonine 71 with methionine.
Molecular consequence: missense variant.
Genome position (GRCh38, 1-based): chr19:1,207,125, C>T. VCF-style: chr19-1207125-C-T. GRCh37 (hg19) VCF-style: chr19-1207124-C-T.
Other names: short protein forms T71M.
Identifiers: ClinVar variation 1508312 (VCV001508312.10), dbSNP rs2145405546, ClinGen allele CA402944354.